The following is an entry in ClinVar:

NM_024700.4(SNIP1):c.944G>A (p.Arg315His)

Gene: SNIP1 (Smad nuclear interacting protein 1; minus strand). Cytogenetic location: 1p34.3.
Variant type: single nucleotide variant.
Coding change: c.944G>A on transcript NM_024700.4 (MANE Select); coding-DNA position 944, G replaced by A.
Protein change: p.Arg315His; replaces arginine 315 with histidine.
Molecular consequence: missense variant.
Genome position (GRCh38, 1-based): chr1:37,537,995, C>T on the plus strand (G>A on the coding strand, the complement: SNIP1 is on the minus strand). VCF-style: chr1-37537995-C-T. GRCh37 (hg19) VCF-style: chr1-38003596-C-T.
Other names: short protein forms R315H.
Identifiers: ClinVar variation 1965534 (VCV001965534.5), dbSNP rs1415206280, ClinGen allele CA339446022.

ClinVar aggregate classification (germline): Uncertain significance (1 of 4 stars; one submission).

Allele frequency attached by ClinVar (database versions not stated): TOPMed 0.00002.
gnomAD v4.1: 6 of 1,605,920 alleles (0.00037%); highest among the groups gnomAD compares: East Asian, 0.0022%; no homozygotes.

Submission:

Labcorp Genetics (formerly Invitae), Labcorp
Classification: Uncertain significance. Last evaluated: 2023-10-03. Review status: criteria provided, single submitter. Criteria: Invitae Variant Classification Sherloc (09022015). Collection method: clinical testing. Allele origin: germline.
Comment: This sequence change replaces arginine, which is basic and polar, with histidine, which is basic and polar, at codon 315 of the SNIP1 protein (p.Arg315His). This variant is present in population databases (no rsID available, gnomAD 0.006%). This variant has not been reported in the literature in individuals affected with SNIP1-related conditions. ClinVar contains an entry for this variant (Variation ID: 1965534). Advanced modeling of protein sequence and biophysical properties (such as structural, functional, and spatial information, amino acid conservation, physicochemical variation, residue mobility, and thermodynamic stability) performed at Invitae indicates that this missense variant is expected to disrupt SNIP1 protein function. In summary, the available evidence is currently insufficient to determine the role of this variant in disease. Therefore, it has been classified as a Variant of Uncertain Significance.